The following is an entry in ClinVar:

NM_001195518.2(MICU1):c.736-13G>A

Gene: MICU1 (mitochondrial calcium uptake 1; minus strand). Cytogenetic location: 10q22.1.
Variant type: single nucleotide variant.
Coding change: c.736-13G>A on transcript NM_001195518.2 (MANE Select); 13 bases into the intron before coding-DNA position 736, G replaced by A.
Molecular consequence: intron variant.
Genome position (GRCh38, 1-based): chr10:72,475,310, C>T on the plus strand (G>A on the coding strand, the complement: MICU1 is on the minus strand). VCF-style: chr10-72475310-C-T. GRCh37 (hg19) VCF-style: chr10-74235068-C-T.
Other names: c.742-13G>A (NM_006077.4); c.754-13G>A (NM_001363513.2); c.142-13G>A (NM_001195519.2).
Identifiers: ClinVar variation 3777473 (VCV003777473.1).
Genomic context (GRCh38, chr10:72,475,310, plus strand): 5'-TCTGTGGCGCATACCCATACTGGTTTGGGAGCGAATGATGCTCTGAACCTAATACAGAAT[C>T]AAACCCACATCCAGAAAAATATTAGGAAGTGAGAAAACATAAACATAGAAAAGCAAGAAT-3'

ClinVar aggregate classification (germline): Uncertain significance (1 of 4 stars; one submission).

gnomAD v4.1: 3 of 1,574,346 alleles (0.00019%); highest among the groups gnomAD compares: Non-Finnish European, 0.00017%; no homozygotes.

Submission:

GeneDx
Classification: Uncertain significance. Last evaluated: 2024-10-09. Review status: criteria provided, single submitter. Criteria: GeneDx Variant Classification Process June 2021. Collection method: clinical testing. Allele origin: germline. Affected: yes.
Comment: Not observed at significant frequency in large population cohorts (gnomAD); In silico analysis indicates that this variant does not alter splicing; Has not been previously published as pathogenic or benign to our knowledge